The following is an entry in ClinVar:

NM_000443.4(ABCB4):c.2397C>A (p.Asp799Glu)

Gene: ABCB4 (ATP binding cassette subfamily B member 4; minus strand). Cytogenetic location: 7q21.12.
Variant type: single nucleotide variant.
Coding change: c.2397C>A on transcript NM_000443.4 (MANE Select); coding-DNA position 2397, C replaced by A.
Protein change: p.Asp799Glu; replaces aspartic acid 799 with glutamic acid.
Molecular consequence: missense variant.
Genome position (GRCh38, 1-based): chr7:87,418,618, G>T on the plus strand (C>A on the coding strand, the complement: ABCB4 is on the minus strand). VCF-style: chr7-87418618-G-T. GRCh37 (hg19) VCF-style: chr7-87047934-G-T.
Other names: c.2397C>A, p.Asp799Glu (NM_018849.3, NM_018850.3); short protein forms D799E.
Identifiers: ClinVar variation 4985979 (VCV004985979.1).

ClinVar aggregate classification (germline): Uncertain significance (1 of 4 stars; one submission).

Conditions:
ABCB4-related disorder. Also called: ABCB4-related disorders; ABCB4-related condition.

Submission:

PreventionGenetics, part of Exact Sciences
Classification: Uncertain significance for ABCB4-related condition. Last evaluated: 2025-05-28. Review status: criteria provided, single submitter. Criteria: ACMG Guidelines, 2015. Collection method: clinical testing. Allele origin: germline.
Comment: The ABCB4 c.2397C>A variant is predicted to result in the amino acid substitution p.Asp799Glu. To our knowledge, this variant has not been reported in the literature or in a large population database (gnomAD), indicating this variant is rare. At this time, the clinical significance of this variant is uncertain due to the absence of conclusive functional and genetic evidence.